The following is an entry in ClinVar:

NM_181882.3(PRX):c.238G>T (p.Ala80Ser)

Gene: PRX (periaxin; minus strand). Cytogenetic location: 19q13.2.
Variant type: single nucleotide variant.
Coding change: c.238G>T on transcript NM_181882.3 (MANE Select); coding-DNA position 238, G replaced by T.
Protein change: p.Ala80Ser; replaces alanine 80 with serine.
Molecular consequence: missense variant.
Genome position (GRCh38, 1-based): chr19:40,398,763, C>A on the plus strand (G>T on the coding strand, the complement: PRX is on the minus strand). VCF-style: chr19-40398763-C-A. GRCh37 (hg19) VCF-style: chr19-40904670-C-A.
Other names: c.523G>T, p.Ala175Ser (NM_001411127.1); c.238G>T, p.Ala80Ser (NM_020956.2); short protein forms A80S, A175S.
Identifiers: ClinVar variation 1992276 (VCV001992276.4), dbSNP rs1275453303, ClinGen allele CA405901311.

ClinVar aggregate classification (germline): Uncertain significance (1 of 4 stars; one submission).

Conditions:
Charcot-Marie-Tooth disease type 4. Also called: Charcot-Marie-Tooth, Type 4; Charcot-Marie-Tooth disease, type IV. Identifiers: Orphanet 64749, MedGen C4082197, MONDO:0018995.

Allele frequency attached by ClinVar (database versions not stated): gnomAD exomes below 0.00001.

Submission:

Labcorp Genetics (formerly Invitae), Labcorp
Classification: Uncertain significance for Charcot-Marie-Tooth disease type 4. Last evaluated: 2022-03-29. Review status: criteria provided, single submitter. Criteria: Invitae Variant Classification Sherloc (09022015). Collection method: clinical testing. Allele origin: germline.
Comment: In summary, the available evidence is currently insufficient to determine the role of this variant in disease. Therefore, it has been classified as a Variant of Uncertain Significance. Algorithms developed to predict the effect of missense changes on protein structure and function are either unavailable or do not agree on the potential impact of this missense change (SIFT: "Deleterious"; PolyPhen-2: "Possibly Damaging"; Align-GVGD: "Class C0"). This variant has not been reported in the literature in individuals affected with PRX-related conditions. The frequency data for this variant in the population databases is considered unreliable, as metrics indicate poor data quality at this position in the gnomAD database. This sequence change replaces alanine, which is neutral and non-polar, with serine, which is neutral and polar, at codon 80 of the PRX protein (p.Ala80Ser).